The following is an entry in ClinVar:

ClinVar aggregate classification (germline): Uncertain significance. Review status: criteria provided, multiple submitters, no conflicts (2 of 4 stars). 3 submissions from 3 submitters: Uncertain significance (3). Last evaluated 2025-07-10.

Conditions:
Hereditary cancer-predisposing syndrome. Also called: Hereditary neoplastic syndrome; Neoplastic Syndromes, Hereditary; Tumor predisposition; Hereditary Cancer Syndrome. Identifiers: Orphanet 140162, MedGen C0027672, MeSH D009386, MONDO:0015356.
Tuberous sclerosis syndrome (TSC). Also called: Tuberous Sclerosis Complex; Tuberous sclerosis. Identifiers: Orphanet 805, MedGen C0041341, MONDO:0001734.
Tuberous sclerosis 1 (TSC1). Identifiers: Orphanet 805, MedGen C1854465, MONDO:0008612, OMIM 191100.

Submissions (3):

Color Diagnostics, LLC DBA Color Health
Classification: Uncertain significance for Tuberous sclerosis syndrome. Last evaluated: 2025-07-10. Review status: criteria provided, single submitter. Criteria: ACMG Guidelines, 2015. Collection method: clinical testing. Allele origin: germline.
Comment: This missense variant replaces proline with leucine at codon 342 of the TSC1 protein. Computational prediction suggests that this variant may not impact protein structure and function. To our knowledge, functional studies have not been reported for this variant. This variant has not been reported in individuals affected with TSC1-related disorders in the literature. This variant has not been identified in the general population by the Genome Aggregation Database (gnomAD). The available evidence is insufficient to determine the role of this variant in disease conclusively. Therefore, this variant is classified as a Variant of Uncertain Significance.

Ambry Genetics
Classification: Uncertain significance for Hereditary cancer-predisposing syndrome. Last evaluated: 2024-01-24. Review status: criteria provided, single submitter. Criteria: Ambry Variant Classification Scheme 2023. Collection method: clinical testing. Allele origin: germline.
Comment: The p.P342L variant (also known as c.1025C>T), located in coding exon 8 of the TSC1 gene, results from a C to T substitution at nucleotide position 1025. The proline at codon 342 is replaced by leucine, an amino acid with similar properties. This amino acid position is not well conserved in available vertebrate species. In addition, the in silico prediction for this alteration is inconclusive. Based on the available evidence, the clinical significance of this alteration remains unclear.

Labcorp Genetics (formerly Invitae), Labcorp
Classification: Uncertain significance for Tuberous sclerosis 1. Last evaluated: 2023-08-30. Review status: criteria provided, single submitter. Criteria: Invitae Variant Classification Sherloc (09022015). Collection method: clinical testing. Allele origin: germline.
Comment: ClinVar contains an entry for this variant (Variation ID: 411217). This variant has not been reported in the literature in individuals affected with TSC1-related conditions. This variant is not present in population databases (gnomAD no frequency). This sequence change replaces proline, which is neutral and non-polar, with leucine, which is neutral and non-polar, at codon 342 of the TSC1 protein (p.Pro342Leu). Advanced modeling of protein sequence and biophysical properties (such as structural, functional, and spatial information, amino acid conservation, physicochemical variation, residue mobility, and thermodynamic stability) performed at Invitae indicates that this missense variant is not expected to disrupt TSC1 protein function. In summary, the available evidence is currently insufficient to determine the role of this variant in disease. Therefore, it has been classified as a Variant of Uncertain Significance.

NM_000368.5(TSC1):c.1025C>T (p.Pro342Leu)

Gene: TSC1 (TSC complex subunit 1; minus strand). Cytogenetic location: 9q34.13.
Variant type: single nucleotide variant.
Coding change: c.1025C>T on transcript NM_000368.5 (MANE Select); coding-DNA position 1025, C replaced by T.
Protein change: p.Pro342Leu; replaces proline 342 with leucine.
Molecular consequence: missense variant.
Genome position (GRCh38, 1-based): chr9:132,911,457, G>A on the plus strand (C>T on the coding strand, the complement: TSC1 is on the minus strand). VCF-style: chr9-132911457-G-A. GRCh37 (hg19) VCF-style: chr9-135786844-G-A.
Other names: c.1025C>T, p.Pro342Leu (NM_001162426.2); c.872C>T, p.Pro291Leu (NM_001162427.2); c.662C>T, p.Pro221Leu (NM_001362177.2); short protein forms P342L, P221L, P291L.
Identifiers: ClinVar variation 411217 (VCV000411217.13), dbSNP rs1060503197, ClinGen allele CA16612487.
Genomic context (GRCh38, chr9:132,911,457, plus strand): 5'-GGGTCAGCTTCACCAGAAAGCAGAGGAGAGAGCAGGCACACTAGTTGACACCATACTTGT[G>A]GTGGTTCAGTTATCAGCCGTGTCGATGGGGAACTCAGAGTCTGAGGTAGCTGCCCTGGCA-3'
Protein context (NP_000359.1, residues 332-352): SPSTRLITEP[Pro342Leu]QATLWSPSMV